The following is an entry in ClinVar:

ClinVar aggregate classification (germline): Uncertain significance (1 of 4 stars; one submission).

Conditions:
Chuvash polycythemia. Also called: POLYCYTHEMIA, VHL-DEPENDENT. Identifiers: Orphanet 238557, MedGen C1837915, MONDO:0009892, OMIM 263400.
Von Hippel-Lindau syndrome (VHLS). Also called: von Hippel–Lindau syndrome; VHL syndrome; Von Hippel-Lindau. Identifiers: Orphanet 892, MedGen C0019562, MONDO:0008667, OMIM 193300. Disease mechanism: loss of function.

Submission:

Labcorp Genetics (formerly Invitae), Labcorp
Classification: Uncertain significance for Von Hippel-Lindau syndrome; Chuvash polycythemia. Last evaluated: 2023-11-04. Review status: criteria provided, single submitter. Criteria: Invitae Variant Classification Sherloc (09022015). Collection method: clinical testing. Allele origin: germline.
Comment: This sequence change falls in intron 1 of the VHL gene. It is not expected to change the encoded amino acid sequence of the VHL protein. However, this sequence change falls within a cryptic exon in the VHL gene, known as exon E1’, which is naturally expressed at low levels in several human tissues (PMID: 29891534). This variant is not present in population databases (gnomAD no frequency). This variant has not been reported in the literature in individuals affected with VHL-related conditions. Algorithms developed to predict the effect of sequence changes on RNA splicing suggest that this variant is not likely to affect RNA splicing. In summary, the available evidence is currently insufficient to determine the role of this variant in disease. Therefore, it has been classified as a Variant of Uncertain Significance.

Literature cited by the submitters: PubMed 29891534.

NM_000551.4(VHL):c.340+591T>A

Genes: VHL (von Hippel-Lindau tumor suppressor; plus strand), LOC107303340 (3p25 von Hippel-Lindau tumor suppressor, E3 ubiquitin protein ligase Alu-mediated recombination region; plus strand). Cytogenetic location: 3p25.3.
Variant type: single nucleotide variant.
Coding change: c.340+591T>A on transcript NM_000551.4 (MANE Select); 591 bases into the intron after coding-DNA position 340, T replaced by A.
Molecular consequence: intron variant. On other transcripts: missense variant (1), non-coding transcript variant (1).
Genome position (GRCh38, 1-based): chr3:10,142,778, T>A. VCF-style: chr3-10142778-T-A. GRCh37 (hg19) VCF-style: chr3-10184462-T-A.
Other names: c.356T>A, p.Val119Glu (NM_001354723.2); c.340+591T>A (NM_198156.3); short protein forms V119E.
Identifiers: ClinVar variation 2934106 (VCV002934106.3), dbSNP rs2470159890, ClinGen allele CA2740090912.